The following is an entry in ClinVar:

ClinVar aggregate classification (germline): Likely pathogenic (1 of 4 stars; one submission).

Allele frequency attached by ClinVar (database versions not stated): gnomAD exomes below 0.00001.

Submission:

GeneDx
Classification: Likely pathogenic. Last evaluated: 2018-07-23. Review status: criteria provided, single submitter. Criteria: GeneDx Variant Classification (06012015). Collection method: clinical testing. Allele origin: germline. Affected: yes.
Comment: The Q47X variant in the KLHL3 gene has not been reported previously as a pathogenic variant nor as a benign variant, to our knowledge. This variant is predicted to cause loss of normal protein function either through protein truncation or nonsense-mediated mRNA decay. The Q47X variant is not observed in large population cohorts (Lek et al., 2016). We interpret Q47X as a likely pathogenic variant.

NM_017415.3(KLHL3):c.139C>T (p.Gln47Ter)

Gene: KLHL3 (kelch like family member 3; minus strand). Cytogenetic location: 5q31.2.
Variant type: single nucleotide variant.
Coding change: c.139C>T on transcript NM_017415.3 (MANE Select); coding-DNA position 139, C replaced by T.
Protein change: p.Gln47Ter; replaces glutamine 47 with a stop codon.
Molecular consequence: nonsense.
Genome position (GRCh38, 1-based): chr5:137,709,852, G>A on the plus strand (C>T on the coding strand, the complement: KLHL3 is on the minus strand). VCF-style: chr5-137709852-G-A. GRCh37 (hg19) VCF-style: chr5-137045541-G-A.
Other names: c.43C>T, p.Gln15Ter (NM_001257194.1); short protein forms Q47*, Q15*.
Identifiers: ClinVar variation 620291 (VCV000620291.1), dbSNP rs1561616000, ClinGen allele CA361054477.